The following is an entry in ClinVar:

NM_000179.3(MSH6):c.2926dup (p.Arg976fs)

Gene: MSH6 (mutS homolog 6; plus strand). Cytogenetic location: 2p16.3.
Variant type: Duplication.
Coding change: c.2926dup on transcript NM_000179.3 (MANE Select); coding-DNA position 2926, one base duplicated (C; older notation c.2926dupC).
Protein change: p.Arg976fs; shifts the reading frame from arginine 976.
Molecular consequence: frameshift variant. On other transcripts: non-coding transcript variant (5), intron variant (2).
Genome position (GRCh38, 1-based): chr2:47,800,909, C duplicated; the last of 2 consecutive C bases (chr2:47,800,908-47,800,909); duplicating either gives the same sequence. VCF-style (leftmost placement, unchanged base first): chr2-47800907-A-AC. GRCh37 (hg19) VCF-style: chr2-48028046-A-AC.
Other names: c.2020dup, p.Arg674fs (NM_001406829.1, NM_001281493.2, NM_001281494.2 and 6 more transcripts); c.2629dup, p.Arg877fs (NM_001406830.1, NM_001406797.1, NM_001406801.1 and 10 more transcripts); c.871dup, p.Arg291fs (NM_001407362.1); c.2308+618dup (NM_001406803.1); c.1606+1320dup (NM_001406817.1); c.2536dup, p.Arg846fs (NM_001281492.2); c.3022dup, p.Arg1008fs (NM_001406795.1, NM_001406802.1); c.2926dup, p.Arg976fs (NM_001406796.1, NM_001406798.1, NM_001406800.1 and 2 more transcripts); and 4 more; short protein forms R1008fs, R291fs, R674fs, R801fs, R846fs, R877fs, R920fs, R950fs.
Identifiers: ClinVar variation 4876013 (VCV004876013.1).

ClinVar aggregate classification (germline): Pathogenic (1 of 4 stars; one submission).

Conditions:
Lynch syndrome 5 (LYNCH5). Also called: Colorectal cancer, hereditary nonpolyposis, type 5; Hereditary non-polyposis colorectal cancer, type 5. Identifiers: Orphanet 144, MedGen C1833477, MONDO:0013710, OMIM 614350. Disease mechanism: loss of function.

Submission:

Myriad Genetics, Inc.
Classification: Pathogenic for Lynch syndrome 5. Last evaluated: 2026-04-22. Review status: criteria provided, single submitter. Criteria: Myriad Autosomal Dominant, Autosomal Recessive and X-Linked Classification Criteria (2023). Collection method: clinical testing. Allele origin: unknown.
Comment: This variant is considered pathogenic. This variant creates a frameshift predicted to result in premature protein truncation.